The following is an entry in ClinVar:

NM_004385.5(VCAN):c.9148G>A (p.Glu3050Lys)

Genes: VCAN (versican; plus strand), VCAN-AS1 (VCAN antisense RNA 1; minus strand). Cytogenetic location: 5q14.3.
Variant type: single nucleotide variant.
Coding change: c.9148G>A on transcript NM_004385.5 (MANE Select); coding-DNA position 9148, G replaced by A.
Protein change: p.Glu3050Lys; replaces glutamic acid 3050 with lysine.
Molecular consequence: missense variant. On other transcripts: intron variant (2).
Genome position (GRCh38, 1-based): chr5:83,542,151, G>A. VCF-style: chr5-83542151-G-A. GRCh37 (hg19) VCF-style: chr5-82837970-G-A.
Other names: c.6187G>A, p.Glu2063Lys (NM_001164097.2); c.4004-3386G>A (NM_001164098.2); c.1043-3386G>A (NM_001126336.3); short protein forms E3050K, E2063K.
Identifiers: ClinVar variation 2813459 (VCV002813459.3), dbSNP rs2479126562, ClinGen allele CA360295212.

ClinVar aggregate classification (germline): Uncertain significance (1 of 4 stars; one submission).

Allele frequency attached by ClinVar (database versions not stated): gnomAD exomes below 0.00001.
gnomAD v4.1: 1 of 1,614,088 alleles (0.000062%); highest among the groups gnomAD compares: Non-Finnish European, 0.000085%; no homozygotes.

Submission:

Labcorp Genetics (formerly Invitae), Labcorp
Classification: Uncertain significance. Last evaluated: 2022-11-10. Review status: criteria provided, single submitter. Criteria: Invitae Variant Classification Sherloc (09022015). Collection method: clinical testing. Allele origin: germline.
Comment: This sequence change replaces glutamic acid, which is acidic and polar, with lysine, which is basic and polar, at codon 3050 of the VCAN protein (p.Glu3050Lys). This variant is not present in population databases (gnomAD no frequency). This variant has not been reported in the literature in individuals affected with VCAN-related conditions. Algorithms developed to predict the effect of missense changes on protein structure and function are either unavailable or do not agree on the potential impact of this missense change (SIFT: "Tolerated"; PolyPhen-2: "Possibly Damaging"; Align-GVGD: "Class C0"). In summary, the available evidence is currently insufficient to determine the role of this variant in disease. Therefore, it has been classified as a Variant of Uncertain Significance.